The following is an entry in ClinVar:

ClinVar aggregate classification (germline): Uncertain significance. Review status: criteria provided, multiple submitters, no conflicts (2 of 4 stars). 2 submissions from 2 submitters: Uncertain significance (2). Last evaluated 2024-12-02.

Allele frequency attached by ClinVar (database versions not stated): gnomAD 0.00012 and 0.00015; gnomAD exomes 0.00013 and 0.00014; ExAC 0.00017; TOPMed 0.00017.
gnomAD v4.1: 229 of 1,609,290 alleles (0.014%); highest among the groups gnomAD compares: Admixed American, 0.037%; no homozygotes.

Submissions (2):

Labcorp Genetics (formerly Invitae), Labcorp
Classification: Uncertain significance. Last evaluated: 2024-12-02. Review status: criteria provided, single submitter. Criteria: Invitae Variant Classification Sherloc (09022015). Collection method: clinical testing. Allele origin: germline.
Comment: This sequence change replaces lysine, which is basic and polar, with arginine, which is basic and polar, at codon 1075 of the DGKZ protein (p.Lys1075Arg). This variant is present in population databases (rs75505185, gnomAD 0.04%). This variant has not been reported in the literature in individuals affected with DGKZ-related conditions. ClinVar contains an entry for this variant (Variation ID: 1378853). An algorithm developed to predict the effect of missense changes on protein structure and function (PolyPhen-2) suggests that this variant is likely to be disruptive. In summary, the available evidence is currently insufficient to determine the role of this variant in disease. Therefore, it has been classified as a Variant of Uncertain Significance.

Ambry Genetics
Classification: Uncertain significance. Last evaluated: 2024-10-19. Review status: criteria provided, single submitter. Criteria: Ambry Variant Classification Scheme 2023. Collection method: clinical testing. Allele origin: germline.

NM_001199267.2(DGKZ):c.2657A>G (p.Lys886Arg)

Gene: DGKZ (diacylglycerol kinase zeta; plus strand). Cytogenetic location: 11p11.2.
Variant type: single nucleotide variant.
Coding change: c.2657A>G on transcript NM_001199267.2 (MANE Select); coding-DNA position 2657, A replaced by G.
Protein change: p.Lys886Arg; replaces lysine 886 with arginine.
Molecular consequence: missense variant.
Genome position (GRCh38, 1-based): chr11:46,379,555, A>G. VCF-style: chr11-46379555-A-G. GRCh37 (hg19) VCF-style: chr11-46401105-A-G.
Other names: c.3224A>G, p.Lys1075Arg (NM_001105540.2); c.2675A>G, p.Lys892Arg (NM_001199266.2); c.2591A>G, p.Lys864Arg (NM_001199268.2); c.2660A>G, p.Lys887Arg (NM_003646.4); c.2708A>G, p.Lys903Arg (NM_201532.3); c.2672A>G, p.Lys891Arg (NM_201533.3); c.3224A>G (NM_001105540.1); short protein forms K887R, K891R, K892R, K864R, K886R, K903R, K1075R.
Identifiers: ClinVar variation 1378853 (VCV001378853.9), dbSNP rs75505185, ClinGen allele CA5963383.